The following is an entry in ClinVar:

ClinVar aggregate classification (germline): Likely benign (1 of 4 stars; one submission).

Allele frequency attached by ClinVar (database versions not stated): TOPMed 0.00009; gnomAD 0.00017; gnomAD exomes 0.00030; ExAC 0.00077; 1000 Genomes Project 30x 0.00109; 1000 Genomes Project 0.00120.
gnomAD v4.1: 487 of 1,614,162 alleles (0.03%); highest among the groups gnomAD compares: South Asian, 0.36%; no homozygotes.

Submission:

CeGaT Center for Human Genetics Tuebingen
Classification: Likely benign. Last evaluated: 2022-04-01. Review status: criteria provided, single submitter. Criteria: CeGaT Center For Human Genetics Tuebingen Variant Classification Criteria Version 2. Collection method: clinical testing. Allele origin: germline. Affected: yes. Observed: 1 variant allele.
Comment: CKAP5: BP4, BP7

NM_001008938.4(CKAP5):c.5340G>A (p.Thr1780=)

Gene: CKAP5 (cytoskeleton associated protein 5; minus strand). Cytogenetic location: 11p11.2.
Variant type: single nucleotide variant.
Coding change: c.5340G>A on transcript NM_001008938.4 (MANE Select); coding-DNA position 5340, G replaced by A.
Protein change: p.Thr1780=; no amino-acid change (threonine 1780 retained).
Molecular consequence: synonymous variant.
Genome position (GRCh38, 1-based): chr11:46,751,238, C>T on the plus strand (G>A on the coding strand, the complement: CKAP5 is on the minus strand). VCF-style: chr11-46751238-C-T. GRCh37 (hg19) VCF-style: chr11-46772788-C-T.
Other names: c.5160G>A, p.Thr1720= (NM_014756.4).
Identifiers: ClinVar variation 2641751 (VCV002641751.24), dbSNP rs549527156, ClinGen allele CA5967610.
Genomic context (GRCh38, chr11:46,751,238, plus strand): 5'-GTGCTTCATCATCCGGCAGAGATGGGCCTCCAGCTCAGACTCGTTTTTGTTGTCGATCAT[C>T]GTTAGGTGGTCCAGGATCTGAGGGAGACACATGCATGACTGATAGCACTGCCATTTCCAT-3'
Protein context (NP_001008938.1, residues 1770-1790): LKGPKILDHL[Thr1780=]MIDNKNESEL